The following is an entry in ClinVar:

NM_001792.5(CDH2):c.1912G>T (p.Ala638Ser)

Gene: CDH2 (cadherin 2; minus strand). Cytogenetic location: 18q12.1.
Variant type: single nucleotide variant.
Coding change: c.1912G>T on transcript NM_001792.5 (MANE Select); coding-DNA position 1912, G replaced by T.
Protein change: p.Ala638Ser; replaces alanine 638 with serine.
Molecular consequence: missense variant.
Genome position (GRCh38, 1-based): chr18:27,985,591, C>A on the plus strand (G>T on the coding strand, the complement: CDH2 is on the minus strand). VCF-style: chr18-27985591-C-A. GRCh37 (hg19) VCF-style: chr18-25565555-C-A.
Other names: c.1819G>T, p.Ala607Ser (NM_001308176.2); short protein forms A607S, A638S.
Identifiers: ClinVar variation 5017577 (VCV005017577.1).

ClinVar aggregate classification (germline): Uncertain significance (1 of 4 stars; one submission).

Submission:

GeneDx
Classification: Uncertain significance. Last evaluated: 2026-03-25. Review status: criteria provided, single submitter. Criteria: GeneDx Variant Classification Process June 2021. Collection method: clinical testing. Allele origin: germline.
Comment: Not observed at significant frequency in large population cohorts (gnomAD); In silico analysis suggests that this missense variant does not alter protein structure/function; Has not been previously published as pathogenic or benign to our knowledge